The following is an entry in ClinVar:

ClinVar aggregate classification (germline): Pathogenic (1 of 4 stars; one submission).

Conditions:
Menkes kinky-hair syndrome (MNK). Also called: Classic Menkes Disease; Copper transport disease; Menkes Disease. Identifiers: Orphanet 565, MedGen C0022716, MONDO:0010651, OMIM 309400.
X-linked distal spinal muscular atrophy type 3. Also called: NEURONOPATHY, DISTAL HEREDITARY MOTOR, X-LINKED; NEUROPATHY, DISTAL HEREDITARY MOTOR, X-LINKED; ATP7A-Related Distal Motor Neuropathy; SPINAL MUSCULAR ATROPHY, DISTAL, X-LINKED RECESSIVE. Identifiers: Orphanet 139557, MedGen C1845359, MONDO:0010338, OMIM 300489.
Cutis laxa, X-linked (OHS). Also called: EDS IX; Occipital horn syndrome. Identifiers: Orphanet 198, MedGen C0268353, MONDO:0010572, OMIM 304150.

Submission:

Labcorp Genetics (formerly Invitae), Labcorp
Classification: Pathogenic for X-linked distal spinal muscular atrophy type 3; Cutis laxa, X-linked; Menkes kinky-hair syndrome. Last evaluated: 2022-07-25. Review status: criteria provided, single submitter. Criteria: Invitae Variant Classification Sherloc (09022015). Collection method: clinical testing. Allele origin: germline.
Comment: This sequence change creates a premature translational stop signal (p.Gln816Lysfs*8) in the ATP7A gene. It is expected to result in an absent or disrupted protein product. Loss-of-function variants in ATP7A are known to be pathogenic (PMID: 11241493, 20652413). For these reasons, this variant has been classified as Pathogenic. This variant has not been reported in the literature in individuals affected with ATP7A-related conditions. This variant is not present in population databases (gnomAD no frequency).

Literature cited by the submitters: PubMed 11241493; PubMed 20652413.

NM_000052.7(ATP7A):c.2446del (p.Gln816fs)

Gene: ATP7A (ATPase copper transporting alpha; plus strand). Cytogenetic location: Xq21.1.
Variant type: Deletion.
Coding change: c.2446del on transcript NM_000052.7 (MANE Select); coding-DNA position 2446, one base deleted (C; older notation c.2446delC).
Protein change: p.Gln816fs; shifts the reading frame from glutamine 816.
Molecular consequence: frameshift variant.
Genome position (GRCh38, 1-based): chrX:78,014,701, C deleted. VCF-style (leftmost placement, unchanged base first): chrX-78014700-AC-A. GRCh37 (hg19) VCF-style: chrX-77270197-AC-A.
Other names: c.2212del, p.Gln738fs (NM_001282224.2); short protein forms Q738fs, Q816fs.
Identifiers: ClinVar variation 1976390 (VCV001976390.5), dbSNP rs2522358948, ClinGen allele CA2580101430.